The following is an entry in ClinVar:

NM_000535.7(PMS2):c.1594C>T (p.His532Tyr)

Gene: PMS2 (PMS1 homolog 2, mismatch repair system component; minus strand). Cytogenetic location: 7p22.1.
Variant type: single nucleotide variant.
Coding change: c.1594C>T on transcript NM_000535.7 (MANE Select); coding-DNA position 1594, C replaced by T.
Protein change: p.His532Tyr; replaces histidine 532 with tyrosine.
Molecular consequence: missense variant. On other transcripts: non-coding transcript variant (1).
Genome position (GRCh38, 1-based): chr7:5,987,171, G>A on the plus strand (C>T on the coding strand, the complement: PMS2 is on the minus strand). VCF-style: chr7-5987171-G-A. GRCh37 (hg19) VCF-style: chr7-6026802-G-A.
Other names: c.1189C>T, p.His397Tyr (NM_001322003.2, NM_001322004.2, NM_001322005.2 and 1 more transcripts); c.1438C>T, p.His480Tyr (NM_001322006.2); c.1276C>T, p.His426Tyr (NM_001322007.2, NM_001322008.2); c.1033C>T, p.His345Tyr (NM_001322010.2); c.661C>T, p.His221Tyr (NM_001322011.2, NM_001322012.2); c.1021C>T, p.His341Tyr (NM_001322013.2); c.1594C>T, p.His532Tyr (NM_001322014.2); c.1285C>T, p.His429Tyr (NM_001322015.2); short protein forms H426Y, H345Y, H397Y, H480Y, H532Y, H221Y, H341Y, H429Y.
Identifiers: ClinVar variation 1042372 (VCV001042372.12), dbSNP rs1783037687, ClinGen allele CA366741524.

ClinVar aggregate classification (germline): Conflicting classifications of pathogenicity. Review status: criteria provided, conflicting classifications (1 of 4 stars). 2 submissions from 2 submitters: Uncertain significance (1); Likely benign (1). Last evaluated 2026-08-14.

Conditions:
Hereditary cancer-predisposing syndrome. Also called: Tumor predisposition; Hereditary Cancer Syndrome; Hereditary neoplastic syndrome; Neoplastic Syndromes, Hereditary. Identifiers: Orphanet 140162, MedGen C0027672, MeSH D009386, MONDO:0015356.
Hereditary nonpolyposis colorectal neoplasms. Identifiers: MedGen C0009405, MeSH D003123.

Submissions (2):

Ambry Genetics
Classification: Likely benign for Hereditary cancer-predisposing syndrome. Last evaluated: 2026-08-14. Review status: criteria provided, single submitter. Criteria: Ambry Variant Classification Scheme 2023. Collection method: clinical testing. Allele origin: germline.

Labcorp Genetics (formerly Invitae), Labcorp
Classification: Uncertain significance for Hereditary nonpolyposis colorectal neoplasms. Last evaluated: 2020-08-29. Review status: criteria provided, single submitter. Criteria: Invitae Variant Classification Sherloc (09022015). Collection method: clinical testing. Allele origin: germline.
Comment: In summary, the available evidence is currently insufficient to determine the role of this variant in disease. Therefore, it has been classified as a Variant of Uncertain Significance. Advanced modeling of protein sequence and biophysical properties (such as structural, functional, and spatial information, amino acid conservation, physicochemical variation, residue mobility, and thermodynamic stability) performed at Invitae indicates that this missense variant is not expected to disrupt PMS2 protein function. This variant has not been reported in the literature in individuals with PMS2-related conditions. This variant is not present in population databases (ExAC no frequency). This sequence change replaces histidine with tyrosine at codon 532 of the PMS2 protein (p.His532Tyr). The histidine residue is weakly conserved and there is a moderate physicochemical difference between histidine and tyrosine.